The following is an entry in ClinVar:

ClinVar aggregate classification (germline): Uncertain significance (1 of 4 stars; one submission).

Conditions:
WDFY4-related disorder. Also called: WDFY4-related condition.

Submission:

PreventionGenetics, part of Exact Sciences
Classification: Uncertain significance for WDFY4-related condition. Last evaluated: 2025-08-07. Review status: criteria provided, single submitter. Criteria: ACMG Guidelines, 2015. Collection method: clinical testing. Allele origin: germline.
Comment: The WDFY4 c.3505G>A variant is predicted to result in the amino acid substitution p.Val1169Ile. To our knowledge, this variant has not been reported in the literature or in a large population database (gnomAD), indicating this variant is rare. At this time, the clinical significance of this variant is uncertain due to the absence of conclusive functional and genetic evidence.

NM_001394531.1(WDFY4):c.3505G>A (p.Val1169Ile)

Gene: WDFY4 (WDFY family member 4; plus strand). Cytogenetic location: 10q11.23.
Variant type: single nucleotide variant.
Coding change: c.3505G>A on transcript NM_001394531.1 (MANE Select); coding-DNA position 3505, G replaced by A.
Protein change: p.Val1169Ile; replaces valine 1169 with isoleucine.
Molecular consequence: missense variant.
Genome position (GRCh38, 1-based): chr10:48,780,048, G>A. VCF-style: chr10-48780048-G-A. GRCh37 (hg19) VCF-style: chr10-49988093-G-A.
Other names: c.3505G>A, p.Val1169Ile (NM_001370153.1, NM_020945.2); short protein forms V1169I.
Identifiers: ClinVar variation 4996778 (VCV004996778.1).